The following is an entry in ClinVar:

ClinVar aggregate classification (germline): Pathogenic. Review status: criteria provided, multiple submitters, no conflicts (2 of 4 stars). 2 submissions from 2 submitters: Pathogenic (2). Last evaluated 2024-11-20.

Conditions:
Juvenile polyposis syndrome (JPS). Identifiers: Orphanet 2929, MedGen C0345893, MONDO:0017380, OMIM 174900.
Hereditary cancer-predisposing syndrome. Also called: Hereditary neoplastic syndrome; Tumor predisposition; Neoplastic Syndromes, Hereditary; Hereditary Cancer Syndrome. Identifiers: Orphanet 140162, MedGen C0027672, MeSH D009386, MONDO:0015356.

Submissions (2):

Ambry Genetics
Classification: Pathogenic for Hereditary cancer-predisposing syndrome. Last evaluated: 2024-11-20. Review status: criteria provided, single submitter. Criteria: Ambry Variant Classification Scheme 2023. Collection method: clinical testing. Allele origin: germline.
Comment: The c.160delG pathogenic mutation, located in coding exon 2 of the BMPR1A gene, results from a deletion of one nucleotide at nucleotide position 160, causing a translational frameshift with a predicted alternate stop codon (p.D54Ifs*6). This alteration is expected to result in loss of function by premature protein truncation or nonsense-mediated mRNA decay. As such, this alteration is interpreted as a disease-causing mutation.

Labcorp Genetics (formerly Invitae), Labcorp
Classification: Pathogenic for Juvenile polyposis syndrome. Last evaluated: 2022-12-31. Review status: criteria provided, single submitter. Criteria: Invitae Variant Classification Sherloc (09022015). Collection method: clinical testing. Allele origin: germline.
Comment: This sequence change creates a premature translational stop signal (p.Asp54Ilefs*6) in the BMPR1A gene. It is expected to result in an absent or disrupted protein product. Loss-of-function variants in BMPR1A are known to be pathogenic (PMID: 11536076, 12417513). This variant is not present in population databases (gnomAD no frequency). For these reasons, this variant has been classified as Pathogenic. ClinVar contains an entry for this variant (Variation ID: 429105). This variant has not been reported in the literature in individuals affected with BMPR1A-related conditions.

Literature cited by the submitters: PubMed 11536076 (cited by Labcorp Genetics (formerly Invitae), Labcorp); PubMed 12417513 (cited by Labcorp Genetics (formerly Invitae), Labcorp).

NM_004329.3(BMPR1A):c.160del (p.Asp54fs)

Gene: BMPR1A (bone morphogenetic protein receptor type 1A; plus strand). Cytogenetic location: 10q23.2.
Variant type: Deletion.
Coding change: c.160del on transcript NM_004329.3 (MANE Select); coding-DNA position 160, one base deleted (G; older notation c.160delG).
Protein change: p.Asp54fs; shifts the reading frame from aspartic acid 54.
Molecular consequence: frameshift variant.
Genome position (GRCh38, 1-based): chr10:86,890,154, G deleted; the last of 2 consecutive G bases (chr10:86,890,153-86,890,154); deleting either gives the same sequence. VCF-style (leftmost placement, unchanged base first): chr10-86890152-AG-A. GRCh37 (hg19) VCF-style: chr10-88649909-AG-A.
Other names: c.160delG (NM_004329.2); short protein forms D54fs.
Identifiers: ClinVar variation 429105 (VCV000429105.9), dbSNP rs1131691183, ClinGen allele CA645369466.